The following is an entry in ClinVar:

ClinVar aggregate classification (germline): Pathogenic (1 of 4 stars; one submission).

Submission:

Quest Diagnostics Nichols Institute San Juan Capistrano
Classification: Pathogenic. Last evaluated: 2022-05-17. Review status: criteria provided, single submitter. Criteria: ACMG/ClinGen CNV Guidelines, 2019. Collection method: clinical testing. Allele origin: unknown.
Comment: The copy number gain of 5p13.3p11 involves numerous protein-coding genes, including several genes associated with autosomal dominant phenotypes in OMIM: PRLR (OMIM 176761), LMBRD2 (OMIM 619490), SLC1A3 (OMIM 600111), NIPBL (OMIM 608667), GDNF (OMIM 600837), OSMR (OMIM 601743), GHR (OMIM 600946), FGF10 (OMIM 602115), and HCN1 (OMIM 602780). Smaller copy-number-gains contained within the current interval are associated with chromosome 5p13 duplication syndrome (OMIM 613174), which is a contiguous gene syndrome involving duplication of several genes within the chromosome 5p13 region, including NIPBL. Clinical features can include developmental delay, intellectual disability, low birth weight, and facial dysmorphism (Novara 2013, Yan 2009). The phenotype is distinguished from that of Cornelia de Lange syndrome (CDLS1; OMIM 122470), which can be caused by haploinsufficiency of the NIPBL gene. As copy number gains of this interval have been associated with a clinical phenotype, and there are no similar copy number gains of this region in the general populations of the Database of Genomic Variants, based on current medical literature and gene content, this copy number variant (CNV) is interpreted as pathogenic. References: Novara et al., Eur J Med Genet. 2013 Jan;56(1):54-8. PMID: 23085304 Yan et al., J Med Genet. 2009 Sep;46(9):626-34. PMID: 19052029

GRCh37/hg19 5p13.3-11(chr5:29348753-46389339)x3

Genes: C5orf22 (chromosome 5 open reading frame 22; plus strand), AGXT2 (alanine--glyoxylate aminotransferase 2; minus strand), AMACR (alpha-methylacyl-CoA racemase; minus strand), C7 (complement C7; plus strand), C9 (complement C9; minus strand) and 68 more. Cytogenetic location: 5p13.3-11.
Variant type: copy number gain.
Change: copy number 3 (three copies instead of two) of chr5:29,348,753-46,389,339 (17.04 Mb, GRCh37 coordinates, 1-based), cytogenetic band 5p13.3-11.
Identifiers: ClinVar variation 1808669 (VCV001808669.1).